The following is an entry in ClinVar:

NM_004415.4(DSP):c.2703G>A (p.Trp901Ter)

Gene: DSP (desmoplakin; plus strand). Cytogenetic location: 6p24.3.
Variant type: single nucleotide variant.
Coding change: c.2703G>A on transcript NM_004415.4 (MANE Select); coding-DNA position 2703, G replaced by A.
Protein change: p.Trp901Ter; replaces tryptophan 901 with a stop codon.
Molecular consequence: nonsense.
Genome position (GRCh38, 1-based): chr6:7,576,366, G>A. VCF-style: chr6-7576366-G-A. GRCh37 (hg19) VCF-style: chr6-7576599-G-A.
Other names: c.2703G>A, p.Trp901Ter (NM_001008844.3, NM_001319034.2); short protein forms W901*.
Identifiers: ClinVar variation 2945680 (VCV002945680.3), dbSNP rs1057519251, ClinGen allele CA362681946.

ClinVar aggregate classification (germline): Pathogenic (1 of 4 stars; one submission).

Conditions:
Arrhythmogenic cardiomyopathy with wooly hair and keratoderma. Also called: Dilated cardiomyopathy with woolly hair and keratoderma; PALMOPLANTAR KERATODERMA WITH LEFT VENTRICULAR CARDIOMYOPATHY AND WOOLLY HAIR; Carvajal syndrome; Arrhythmogenic cardiomyopathy with woolly hair and keratoderma. Identifiers: Orphanet 65282, MedGen C1854063, MONDO:0011581, OMIM 605676.
Arrhythmogenic right ventricular dysplasia 8 (ARVD8). Also called: Arrhythmogenic Right Ventricular Dysplasia/Cardiomyopathy 8; ARRHYTHMOGENIC RIGHT VENTRICULAR DYSPLASIA, FAMILIAL, 8; ARRHYTHMOGENIC RIGHT VENTRICULAR CARDIOMYOPATHY 8. Identifiers: MedGen C1843896, MONDO:0011831, OMIM 607450.

Submission:

Labcorp Genetics (formerly Invitae), Labcorp
Classification: Pathogenic for Arrhythmogenic cardiomyopathy with wooly hair and keratoderma; Arrhythmogenic right ventricular dysplasia 8. Last evaluated: 2023-03-23. Review status: criteria provided, single submitter. Criteria: Invitae Variant Classification Sherloc (09022015). Collection method: clinical testing. Allele origin: germline.
Comment: This sequence change creates a premature translational stop signal (p.Trp901*) in the DSP gene. It is expected to result in an absent or disrupted protein product. Loss-of-function variants in DSP are known to be pathogenic (PMID: 20716751, 24503780, 25227139). This variant is not present in population databases (gnomAD no frequency). This variant has not been reported in the literature in individuals affected with DSP-related conditions. For these reasons, this variant has been classified as Pathogenic.

Literature cited by the submitters: PubMed 20716751; PubMed 24503780; PubMed 25227139.